The following is an entry in ClinVar:

NM_000543.5(SMPD1):c.50G>A (p.Arg17Gln)

Genes: SMPD1 (sphingomyelin phosphodiesterase 1; plus strand), LOC130005193 (ATAC-STARR-seq lymphoblastoid silent region 3099; plus strand). Cytogenetic location: 11p15.4.
Variant type: single nucleotide variant.
Coding change: c.50G>A on transcript NM_000543.5 (MANE Select); coding-DNA position 50, G replaced by A.
Protein change: p.Arg17Gln; replaces arginine 17 with glutamine.
Molecular consequence: missense variant. On other transcripts: 5 prime UTR variant (1), non-coding transcript variant (2).
Genome position (GRCh38, 1-based): chr11:6,390,648, G>A. VCF-style: chr11-6390648-G-A. GRCh37 (hg19) VCF-style: chr11-6411878-G-A.
Other names: c.50G>A, p.Arg17Gln (NM_001007593.3, NM_001318087.2, NM_001365135.2); c.-912G>A (NM_001318088.2); c.50G>A (NM_000543.4); short protein forms R17Q.
Identifiers: ClinVar variation 2150799 (VCV002150799.2), dbSNP rs764126465, ClinGen allele CA5852459.
Genomic context (GRCh38, chr11:6,390,648, plus strand): 5'-GAAGCGCGACAATGCCCCGCTACGGAGCGTCACTCCGCCAGAGCTGCCCCAGGTCCGGCC[G>A]GGAGCAGGGACAAGACGGGACCGCCGGAGCCCCCGGACTCCTTTGGATGGGCCTGGTGCT-3'
Protein context (NP_000534.3, residues 7-27): SLRQSCPRSG[Arg17Gln]EQGQDGTAGA

ClinVar aggregate classification (germline): Uncertain significance. Review status: criteria provided, multiple submitters, no conflicts (2 of 4 stars). 2 submissions from 2 submitters: Uncertain significance (2). Last evaluated 2026-05-12.

Conditions:
SMPD1-related disorder. Also called: SMPD1-related condition.
Niemann-Pick disease, type B. Also called: Chronic Visceral ASMD (Niemann-Pick Disease Type B; NPD-B). Identifiers: Orphanet 77293, MedGen C0268243, MONDO:0011871, OMIM 607616. Disease mechanism: loss of function.
Niemann-Pick disease, type A. Also called: Infantile Neurovisceral ASMD (Niemann-Pick Disease Type A; NPD-A); SPHINGOMYELIN LIPIDOSIS; SPHINGOMYELINASE DEFICIENCY. Identifiers: Orphanet 77292, MedGen C0268242, MONDO:0009756, OMIM 257200. Disease mechanism: loss of function.

Allele frequency attached by ClinVar (database versions not stated): ExAC 0.00001; gnomAD 0.00001; TOPMed 0.00002.
gnomAD v4.1: 16 of 1,613,128 alleles (0.00099%); highest among the groups gnomAD compares: East Asian, 0.018%; no homozygotes.

Submissions (2):

PreventionGenetics, part of Exact Sciences
Classification: Uncertain significance for SMPD1-related condition. Last evaluated: 2026-05-12. Review status: criteria provided, single submitter. Criteria: ACMG Guidelines, 2015. Collection method: clinical testing. Allele origin: germline.
Comment: The SMPD1 c.50G>A variant is predicted to result in the amino acid substitution p.Arg17Gln. This variant was reported in a large cohort of individuals with Parkinson disease (supplementary data, Zhao et al. 2021. PubMed ID: 34867278). This variant is reported in 0.011% of alleles in individuals of East Asian descent in gnomAD. At this time, the clinical significance of this variant is uncertain due to the absence of conclusive functional and genetic evidence.

Labcorp Genetics (formerly Invitae), Labcorp
Classification: Uncertain significance for Niemann-Pick disease, type B; Niemann-Pick disease, type A. Last evaluated: 2022-04-04. Review status: criteria provided, single submitter. Criteria: Invitae Variant Classification Sherloc (09022015). Collection method: clinical testing. Allele origin: germline.
Comment: This sequence change replaces arginine, which is basic and polar, with glutamine, which is neutral and polar, at codon 17 of the SMPD1 protein (p.Arg17Gln). This variant is present in population databases (rs764126465, gnomAD 0.01%). This variant has not been reported in the literature in individuals affected with SMPD1-related conditions. Advanced modeling of protein sequence and biophysical properties (such as structural, functional, and spatial information, amino acid conservation, physicochemical variation, residue mobility, and thermodynamic stability) performed at Invitae indicates that this missense variant is not expected to disrupt SMPD1 protein function. In summary, the available evidence is currently insufficient to determine the role of this variant in disease. Therefore, it has been classified as a Variant of Uncertain Significance.